The following is an entry in ClinVar:

NM_002661.5(PLCG2):c.2650C>T (p.Pro884Ser)

Gene: PLCG2 (phospholipase C gamma 2; plus strand). Cytogenetic location: 16q23.3.
Variant type: single nucleotide variant.
Coding change: c.2650C>T on transcript NM_002661.5 (MANE Select); coding-DNA position 2650, C replaced by T.
Protein change: p.Pro884Ser; replaces proline 884 with serine.
Molecular consequence: missense variant.
Genome position (GRCh38, 1-based): chr16:81,931,565, C>T. VCF-style: chr16-81931565-C-T. GRCh37 (hg19) VCF-style: chr16-81965170-C-T.
Other names: c.2650C>T, p.Pro884Ser (NM_001425749.1, NM_001425750.1, NM_001425751.1); short protein forms P884S.
Identifiers: ClinVar variation 2886404 (VCV002886404.2), dbSNP rs780267956, ClinGen allele CA8194385.

ClinVar aggregate classification (germline): Uncertain significance (1 of 4 stars; one submission).

Conditions:
Familial cold autoinflammatory syndrome 3 (FCAS3). Also called: FAMILIAL ATYPICAL COLD URTICARIA; ANTIBODY DEFICIENCY AND IMMUNE DYSREGULATION, PLCG2-ASSOCIATED. Identifiers: Orphanet 300359, MedGen C3280914, MONDO:0013766, OMIM 614468.

Allele frequency attached by ClinVar (database versions not stated): gnomAD 0.00001; TOPMed 0.00001; ExAC 0.00002.

Submission:

Labcorp Genetics (formerly Invitae), Labcorp
Classification: Uncertain significance for Familial cold autoinflammatory syndrome 3. Last evaluated: 2025-01-11. Review status: criteria provided, single submitter. Criteria: Invitae Variant Classification Sherloc (09022015). Collection method: clinical testing. Allele origin: germline.
Comment: This sequence change replaces proline, which is neutral and non-polar, with serine, which is neutral and polar, at codon 884 of the PLCG2 protein (p.Pro884Ser). This variant is present in population databases (rs780267956, gnomAD 0.009%). This variant has not been reported in the literature in individuals affected with PLCG2-related conditions. ClinVar contains an entry for this variant (Variation ID: 2886404). An algorithm developed to predict the effect of missense changes on protein structure and function (PolyPhen-2) suggests that this variant is likely to be disruptive. In summary, the available evidence is currently insufficient to determine the role of this variant in disease. Therefore, it has been classified as a Variant of Uncertain Significance.